The following is an entry in ClinVar:

ClinVar aggregate classification (germline): Uncertain significance (1 of 4 stars; one submission).

Conditions:
Werner syndrome (WRN). Identifiers: Orphanet 902, MedGen C0043119, MONDO:0010196, OMIM 277700.

Allele frequency attached by ClinVar (database versions not stated): gnomAD exomes below 0.00001.
gnomAD v4.1: 1 of 1,614,168 alleles (0.000062%); highest among the groups gnomAD compares: African/African-American, 0.0013%; no homozygotes.

Submission:

Labcorp Genetics (formerly Invitae), Labcorp
Classification: Uncertain significance for Werner syndrome. Last evaluated: 2021-11-04. Review status: criteria provided, single submitter. Criteria: Invitae Variant Classification Sherloc (09022015). Collection method: clinical testing. Allele origin: germline.
Comment: This variant is not present in population databases (gnomAD no frequency). This variant has not been reported in the literature in individuals affected with WRN-related conditions. Algorithms developed to predict the effect of missense changes on protein structure and function are either unavailable or do not agree on the potential impact of this missense change (SIFT: "Not Available"; PolyPhen-2: "Probably Damaging"; Align-GVGD: "Not Available"). In summary, the available evidence is currently insufficient to determine the role of this variant in disease. Therefore, it has been classified as a Variant of Uncertain Significance. This sequence change replaces phenylalanine, which is neutral and non-polar, with valine, which is neutral and non-polar, at codon 1037 of the WRN protein (p.Phe1037Val).

NM_000553.6(WRN):c.3109T>G (p.Phe1037Val)

Gene: WRN (WRN RecQ like helicase; plus strand). Cytogenetic location: 8p12.
Variant type: single nucleotide variant.
Coding change: c.3109T>G on transcript NM_000553.6 (MANE Select); coding-DNA position 3109, T replaced by G.
Protein change: p.Phe1037Val; replaces phenylalanine 1037 with valine.
Molecular consequence: missense variant.
Genome position (GRCh38, 1-based): chr8:31,141,571, T>G. VCF-style: chr8-31141571-T-G. GRCh37 (hg19) VCF-style: chr8-30999087-T-G.
Other names: short protein forms F1037V.
Identifiers: ClinVar variation 1391131 (VCV001391131.6), dbSNP rs2130415986, ClinGen allele CA370922428.